The following is an entry in ClinVar:

ClinVar aggregate classification (germline): Uncertain significance. Review status: criteria provided, multiple submitters, no conflicts (2 of 4 stars). 2 submissions from 2 submitters: Uncertain significance (2). Last evaluated 2024-09-08.

Conditions:
Hereditary cancer-predisposing syndrome. Also called: Tumor predisposition; Hereditary neoplastic syndrome; Neoplastic Syndromes, Hereditary; Hereditary Cancer Syndrome. Identifiers: Orphanet 140162, MedGen C0027672, MeSH D009386, MONDO:0015356.
Bloom syndrome (BLM). Also called: Bloom-Torre-Machacek syndrome. Identifiers: Orphanet 125, MedGen C0005859, MONDO:0008876, OMIM 210900.

gnomAD v4.1: 1 of 1,612,804 alleles (0.000062%); highest among the groups gnomAD compares: Non-Finnish European, 0.000085%; no homozygotes.

Submissions (2):

Ambry Genetics
Classification: Uncertain significance for Hereditary cancer-predisposing syndrome. Last evaluated: 2024-09-08. Review status: criteria provided, single submitter. Criteria: Ambry Variant Classification Scheme 2023. Collection method: clinical testing. Allele origin: germline.
Comment: The p.M376L variant (also known as c.1126A>C), located in coding exon 5 of the BLM gene, results from an A to C substitution at nucleotide position 1126. The methionine at codon 376 is replaced by leucine, an amino acid with highly similar properties. This amino acid position is conserved. In addition, the in silico prediction for this alteration is inconclusive. Since supporting evidence is limited at this time, the clinical significance of this alteration remains unclear.

Labcorp Genetics (formerly Invitae), Labcorp
Classification: Uncertain significance for Bloom syndrome. Last evaluated: 2019-07-30. Review status: criteria provided, single submitter. Criteria: Invitae Variant Classification Sherloc (09022015). Collection method: clinical testing. Allele origin: germline.
Comment: This variant has not been reported in the literature in individuals with BLM-related conditions. This variant is not present in population databases (ExAC no frequency). This sequence change replaces methionine with leucine at codon 376 of the BLM protein (p.Met376Leu). The methionine residue is moderately conserved and there is a small physicochemical difference between methionine and leucine. Algorithms developed to predict the effect of missense changes on protein structure and function are either unavailable or do not agree on the potential impact of this missense change (SIFT: "Deleterious"; PolyPhen-2: "Probably Damaging"; Align-GVGD: "Class C0"). In summary, the available evidence is currently insufficient to determine the role of this variant in disease. Therefore, it has been classified as a Variant of Uncertain Significance.

NM_000057.4(BLM):c.1126A>C (p.Met376Leu)

Gene: BLM (BLM RecQ like helicase; plus strand). Cytogenetic location: 15q26.1.
Variant type: single nucleotide variant.
Coding change: c.1126A>C on transcript NM_000057.4 (MANE Select); coding-DNA position 1126, A replaced by C.
Protein change: p.Met376Leu; replaces methionine 376 with leucine.
Molecular consequence: missense variant. On other transcripts: initiator codon variant (1).
Genome position (GRCh38, 1-based): chr15:90,760,185, A>C. VCF-style: chr15-90760185-A-C. GRCh37 (hg19) VCF-style: chr15-91303415-A-C.
Other names: c.1126A>C, p.Met376Leu (NM_001287246.2, NM_001287247.2); c.1A>C, p.Met1Leu (NM_001287248.2); short protein forms M376L, M1L.
Identifiers: ClinVar variation 957897 (VCV000957897.14), dbSNP rs1895932695, ClinGen allele CA393842362.